The following is an entry in ClinVar:

ClinVar aggregate classification (germline): Uncertain significance (1 of 4 stars; one submission).

Conditions:
Pityriasis rubra pilaris (PRP). Also called: Pityriasis rubra pilaris--familial type. Identifiers: Orphanet 2897, MedGen C0032027, MONDO:0100017, OMIM 173200, MONDO:0008251.
Psoriasis 2. Identifiers: MedGen C1864497, MONDO:0011269, OMIM 602723.

Submission:

Labcorp Genetics (formerly Invitae), Labcorp
Classification: Uncertain significance for Pityriasis rubra pilaris; Psoriasis 2. Last evaluated: 2021-04-23. Review status: criteria provided, single submitter. Criteria: Invitae Variant Classification Sherloc (09022015). Collection method: clinical testing. Allele origin: germline.
Comment: In summary, the available evidence is currently insufficient to determine the role of this variant in disease. Therefore, it has been classified as a Variant of Uncertain Significance. Algorithms developed to predict the effect of missense changes on protein structure and function are either unavailable or do not agree on the potential impact of this missense change (SIFT: "Tolerated"; PolyPhen-2: "Probably Damaging"; Align-GVGD: "Class C0"). This variant has not been reported in the literature in individuals with CARD14-related conditions. This variant is not present in population databases (ExAC no frequency). This sequence change replaces arginine with glycine at codon 304 of the CARD14 protein (p.Arg304Gly). The arginine residue is moderately conserved and there is a moderate physicochemical difference between arginine and glycine.

NM_001366385.1(CARD14):c.910C>G (p.Arg304Gly)

Gene: CARD14 (caspase recruitment domain family member 14; plus strand). Cytogenetic location: 17q25.3.
Variant type: single nucleotide variant.
Coding change: c.910C>G on transcript NM_001366385.1 (MANE Select); coding-DNA position 910, C replaced by G.
Protein change: p.Arg304Gly; replaces arginine 304 with glycine.
Molecular consequence: missense variant. On other transcripts: non-coding transcript variant (1).
Genome position (GRCh38, 1-based): chr17:80,189,819, C>G. VCF-style: chr17-80189819-C-G. GRCh37 (hg19) VCF-style: chr17-78163618-C-G.
Other names: c.910C>G, p.Arg304Gly (NM_001257970.1, NM_024110.4); c.199C>G, p.Arg67Gly (NM_052819.3); short protein forms R304G, R67G.
Identifiers: ClinVar variation 1500129 (VCV001500129.8), dbSNP rs752948208, ClinGen allele CA401343954.
Genomic context (GRCh38, chr17:80,189,819, plus strand): 5'-AAGGACATTCTGGAGCAGAGCCTGGACGAGGCGCGGGGGAGCCGACAGGAGCTGGTGGAG[C>G]GCATCCACTCGCTGCGGGAGCGGGCCGTGGCTGCCGAGAGGCAGCGAGAGCAGGTGCCGT-3'
Protein context (NP_001353314.1, residues 294-314): ARGSRQELVE[Arg304Gly]IHSLRERAVA